The following is an entry in ClinVar:

NM_152424.4(AMER1):c.43G>A (p.Ala15Thr)

Gene: AMER1 (APC membrane recruitment protein 1; minus strand). Cytogenetic location: Xq11.2.
Variant type: single nucleotide variant.
Coding change: c.43G>A on transcript NM_152424.4 (MANE Select); coding-DNA position 43, G replaced by A.
Protein change: p.Ala15Thr; replaces alanine 15 with threonine.
Molecular consequence: missense variant.
Genome position (GRCh38, 1-based): chrX:64,193,244, C>T on the plus strand (G>A on the coding strand, the complement: AMER1 is on the minus strand). VCF-style: chrX-64193244-C-T. GRCh37 (hg19) VCF-style: chrX-63413124-C-T.
Other names: short protein forms A15T.
Identifiers: ClinVar variation 4723313 (VCV004723313.1).

ClinVar aggregate classification (germline): Uncertain significance (1 of 4 stars; one submission).

Submission:

Labcorp Genetics (formerly Invitae), Labcorp
Classification: Uncertain significance. Last evaluated: 2025-07-15. Review status: criteria provided, single submitter. Criteria: Invitae Variant Classification Sherloc (09022015). Collection method: clinical testing. Allele origin: germline.
Comment: This sequence change replaces alanine, which is neutral and non-polar, with threonine, which is neutral and polar, at codon 15 of the AMER1 protein (p.Ala15Thr). This variant is not present in population databases (gnomAD no frequency). This variant has not been reported in the literature in individuals affected with AMER1-related conditions. An algorithm developed to predict the effect of missense changes on protein structure and function outputs the following: PolyPhen-2: "Benign". The threonine amino acid residue is found in multiple mammalian species, which suggests that this missense change does not adversely affect protein function. In summary, the available evidence is currently insufficient to determine the role of this variant in disease. Therefore, it has been classified as a Variant of Uncertain Significance.